The following is an entry in ClinVar:

ClinVar aggregate classification (germline): Likely pathogenic (1 of 4 stars; one submission).

Conditions:
Primary ciliary dyskinesia 18. Also called: CILIARY DYSKINESIA, PRIMARY, 18, WITH OR WITHOUT SITUS INVERSUS. Identifiers: Orphanet 244, MedGen C3543825, MONDO:0013940, OMIM 614874.

Submission:

Neuberg Centre For Genomic Medicine, NCGM
Classification: Likely pathogenic for Primary ciliary dyskinesia 18. Review status: criteria provided, single submitter. Criteria: ACMG Guidelines, 2015. Collection method: clinical testing. Allele origin: germline. Inheritance: Autosomal recessive inheritance. Affected: yes.
Comment: The observed frameshift c.991_992insGG (p.Ala331GlyfsTer48) variant in DNAAF5 gene has not been reported previously as a pathogenic variant nor as a benign variant, to our knowledge. The p.Ala331GlyfsTer48 variant is absent in gnomAD exomes database. This variant has not been submitted to the ClinVar database. This variant causes a frameshift starting with codon Alanine 331, changes this amino acid to Glycine residue, and creates a premature Stop codon at position 48 of the new reading frame, denoted p.Ala331GlyfsTer48. This variant is predicted to cause loss of normal protein function through protein truncation. Loss of function variants in DNAAF5 gene have been previously reported to be disease causing. For these reasons, this variant has been classified as Likely Pathogenic.

NM_017802.4(DNAAF5):c.991_992insGG (p.Ala331fs)

Gene: DNAAF5 (dynein axonemal assembly factor 5; plus strand). Cytogenetic location: 7p22.3.
Variant type: Insertion.
Coding change: c.991_992insGG on transcript NM_017802.4 (MANE Select); coding-DNA positions 991 to 992, GG inserted.
Protein change: p.Ala331fs; shifts the reading frame from alanine 331.
Molecular consequence: frameshift variant. On other transcripts: non-coding transcript variant (1).
Genome position: GRCh38 VCF-style: chr7-741431-T-TGG. GRCh37 (hg19) VCF-style: chr7-781068-T-TGG.
Other names: short protein forms A331fs.
Identifiers: ClinVar variation 3242170 (VCV003242170.1), dbSNP rs1781907458.
Genomic context (GRCh38, chr7:741,431, plus strand): 5'-GGACGTTGGCCTGCAGTGGCAGAAGGAGAATGAGGAGGACCTGAAGGACAAGCTGGACTT[T>TGG]GCCCCTCCCACCCCACCCCATTACCCTCCACATGGTGAGTGACCGCGGCAGAGGGGAGCG-3'